The following is an entry in ClinVar:

ClinVar aggregate classification (germline): Pathogenic (1 of 4 stars; one submission).

Conditions:
Pyridoxine-dependent epilepsy (EPEO4). Also called: Pyridoxine-Dependent Seizures; Pyridoxine-Dependent Epilepsy - ALDH7A1; PYRIDOXINE DEPENDENCY WITH SEIZURES; EPILEPSY, EARLY-ONSET, 4, VITAMIN B6-DEPENDENT. Identifiers: Orphanet 3006, MedGen C1849508, MONDO:0009945, OMIM 266100. Disease mechanism: loss of function.

Submission:

Baylor Genetics
Classification: Pathogenic for Pyridoxine-dependent epilepsy. Last evaluated: 2018-08-14. Review status: criteria provided, single submitter. Criteria: ACMG Guidelines, 2015. Collection method: clinical testing. Allele origin: unknown. Affected: yes.
Comment: This variant was determined to be pathogenic according to ACMG Guidelines, 2015 [PMID:25741868].

NM_001182.5(ALDH7A1):c.1412_1415+9delinsGTTGGG

Gene: ALDH7A1 (aldehyde dehydrogenase 7 family member A1; minus strand). Cytogenetic location: 5q23.2.
Variant type: Indel.
Coding change: c.1412_1415+9delinsGTTGGG on transcript NM_001182.5 (MANE Select); coding-DNA position 1412 through 9 bases into the intron after coding-DNA position 1415, TTGGGTACAACTT replaced by GTTGGG.
Molecular consequence: splice donor variant.
Genome position (GRCh38, 1-based): chr5:126,550,187-126,550,199, AAGTTGTACCCAA replaced by CCCAAC on the plus strand (TTGGGTACAACTT replaced by GTTGGG on the coding strand, the reverse complement: ALDH7A1 is on the minus strand). VCF-style: chr5-126550187-AAGTTGTACCCAA-CCCAAC. GRCh37 (hg19) VCF-style: chr5-125885879-AAGTTGTACCCAA-CCCAAC.
Other names: c.1220_1223+9delinsGTTGGG (NM_001202404.2); c.1328_1331+9delinsGTTGGG (NM_001201377.2).
Identifiers: ClinVar variation 1033773 (VCV001033773.1), dbSNP rs1749943369, ClinGen allele CA1580442866.